The following is an entry in ClinVar:

ClinVar aggregate classification (germline): Uncertain significance (1 of 4 stars; one submission).

Conditions:
Inborn genetic diseases. Identifiers: MedGen C0950123, MeSH D030342.

Submission:

Ambry Genetics
Classification: Uncertain significance for Inborn genetic diseases. Last evaluated: 2025-06-15. Review status: criteria provided, single submitter. Criteria: Ambry Variant Classification Scheme 2023. Collection method: clinical testing. Allele origin: germline.
Comment: The p.E277D variant (also known as c.831G>C), located in coding exon 6 of the F5 gene, results from a G to C substitution at nucleotide position 831. The glutamic acid at codon 277 is replaced by aspartic acid, an amino acid with highly similar properties. This amino acid position is conserved. In addition, the in silico prediction for this alteration is inconclusive. Based on the available evidence, the clinical significance of this variant remains unclear.

NM_000130.5(F5):c.831G>C (p.Glu277Asp)

Gene: F5 (coagulation factor V; minus strand). Cytogenetic location: 1q24.2.
Variant type: single nucleotide variant.
Coding change: c.831G>C on transcript NM_000130.5 (MANE Select); coding-DNA position 831, G replaced by C.
Protein change: p.Glu277Asp; replaces glutamic acid 277 with aspartic acid.
Molecular consequence: missense variant.
Genome position (GRCh38, 1-based): chr1:169,556,767, C>G on the plus strand (G>C on the coding strand, the complement: F5 is on the minus strand). VCF-style: chr1-169556767-C-G. GRCh37 (hg19) VCF-style: chr1-169526005-C-G.
Other names: short protein forms E277D.
Identifiers: ClinVar variation 4252353 (VCV004252353.1).